The following is an entry in ClinVar:

NM_001363711.2(DUOX2):c.1904A>G (p.Lys635Arg)

Gene: DUOX2 (dual oxidase 2; minus strand). Cytogenetic location: 15q21.1.
Variant type: single nucleotide variant.
Coding change: c.1904A>G on transcript NM_001363711.2 (MANE Select); coding-DNA position 1904, A replaced by G.
Protein change: p.Lys635Arg; replaces lysine 635 with arginine.
Molecular consequence: missense variant.
Genome position (GRCh38, 1-based): chr15:45,106,569, T>C on the plus strand (A>G on the coding strand, the complement: DUOX2 is on the minus strand). VCF-style: chr15-45106569-T-C. GRCh37 (hg19) VCF-style: chr15-45398767-T-C.
Other names: c.1904A>G, p.Lys635Arg (NM_014080.5); short protein forms K635R.
Identifiers: ClinVar variation 2968601 (VCV002968601.3), dbSNP rs370121680, ClinGen allele CA7538456.

ClinVar aggregate classification (germline): Uncertain significance (1 of 4 stars; one submission).

Allele frequency attached by ClinVar (database versions not stated): gnomAD exomes below 0.00001; gnomAD 0.00001; ExAC 0.00002; TOPMed 0.00002; ESP Exome Variant Server 0.00008.
gnomAD v4.1: 2 of 1,614,042 alleles (0.00012%); highest among the groups gnomAD compares: Non-Finnish European, 0.00017%; no homozygotes.

Submission:

Labcorp Genetics (formerly Invitae), Labcorp
Classification: Uncertain significance. Last evaluated: 2023-06-09. Review status: criteria provided, single submitter. Criteria: Invitae Variant Classification Sherloc (09022015). Collection method: clinical testing. Allele origin: germline.
Comment: In summary, the available evidence is currently insufficient to determine the role of this variant in disease. Therefore, it has been classified as a Variant of Uncertain Significance. Advanced modeling of protein sequence and biophysical properties (such as structural, functional, and spatial information, amino acid conservation, physicochemical variation, residue mobility, and thermodynamic stability) performed at Invitae indicates that this missense variant is not expected to disrupt DUOX2 protein function. This variant has not been reported in the literature in individuals affected with DUOX2-related conditions. This variant is present in population databases (rs370121680, gnomAD 0.002%). This sequence change replaces lysine, which is basic and polar, with arginine, which is basic and polar, at codon 635 of the DUOX2 protein (p.Lys635Arg).